The following is an entry in ClinVar:

ClinVar aggregate classification (germline): Benign/Likely benign. Review status: criteria provided, multiple submitters, no conflicts (2 of 4 stars). 14 submissions from 12 submitters: Benign (9); Likely benign (1). 4 of the submissions do not count toward it. Last evaluated 2026-02-04.

Conditions:
Cardiovascular phenotype. Identifiers: MedGen CN230736.
Hypertrophic cardiomyopathy 2. Also called: TNNT2-Related Familial Hypertrophic Cardiomyopathy. Identifiers: MedGen C1861864, MONDO:0007266, OMIM 115195.
Cardiomyopathy, familial restrictive, 3. Identifiers: Orphanet 75249, MedGen C2676271, MONDO:0012900, OMIM 612422.
Dilated cardiomyopathy 1D. Identifiers: Orphanet 154, Orphanet 54260, MedGen C1832243, MONDO:0011095, OMIM 601494.

Allele frequency attached by ClinVar (database versions not stated): ExAC 0.00494; gnomAD 0.01441; 1000 Genomes Project 0.01637; ESP Exome Variant Server 0.01722; TOPMed 0.01743; 1000 Genomes Project 30x 0.01765; gnomAD exomes 0.00388.
gnomAD v4.1: 4,620 of 1,614,044 alleles (0.29%); highest among the groups gnomAD compares: African/African-American, 5.3%; 105 homozygotes.

Submissions (14):

Labcorp Genetics (formerly Invitae), Labcorp
Classification: Benign for Cardiomyopathy, familial restrictive, 3; Hypertrophic cardiomyopathy 2; Dilated cardiomyopathy 1D. Last evaluated: 2026-02-04. Review status: criteria provided, single submitter. Criteria: Invitae Variant Classification Sherloc (09022015). Collection method: clinical testing. Allele origin: germline.

ARUP Laboratories, Molecular Genetics and Genomics, ARUP Laboratories
Classification: Benign. Last evaluated: 2025-05-15. Review status: criteria provided, single submitter. Criteria: ARUP Molecular Germline Variant Investigation Process 2024. Collection method: clinical testing. Allele origin: germline.

Genome-Nilou Lab
Classification: Benign for Dilated cardiomyopathy 1D. Last evaluated: 2023-04-11. Review status: criteria provided, single submitter. Criteria: ACMG Guidelines, 2015. Collection method: clinical testing. Allele origin: germline. Affected: no.

Genome-Nilou Lab
Classification: Benign for Cardiomyopathy, familial restrictive, 3. Last evaluated: 2023-04-11. Review status: criteria provided, single submitter. Criteria: ACMG Guidelines, 2015. Collection method: clinical testing. Allele origin: germline. Affected: no.

Genome-Nilou Lab
Classification: Benign for Hypertrophic cardiomyopathy 2. Last evaluated: 2023-04-11. Review status: criteria provided, single submitter. Criteria: ACMG Guidelines, 2015. Collection method: clinical testing. Allele origin: germline. Affected: no.

GeneDx
Classification: Benign. Last evaluated: 2015-03-03. Review status: criteria provided, single submitter. Criteria: GeneDx Variant Classification Process June 2021. Collection method: clinical testing. Allele origin: germline. Affected: yes.

Ambry Genetics
Classification: Benign for Cardiovascular phenotype. Last evaluated: 2014-12-18. Review status: criteria provided, single submitter. Criteria: Ambry Variant Classification Scheme 2023. Collection method: clinical testing. Allele origin: germline.

Laboratory for Molecular Medicine, Mass General Brigham Personalized Medicine
Classification: Benign. Last evaluated: 2012-04-20. Review status: criteria provided, single submitter. Criteria: LMM Criteria. Collection method: clinical testing. Allele origin: germline. Observed: 38 variant alleles.
Comment: 133+12G>A in Intron 5 of TNNT2: This variant is not expected to have clinical si gnificance because it is not located within the in the splice consensus sequence . It has been identified in 5% (189/3738) of African American chromosomes from a broad population by the NHLBI Exome Sequencing Project (n.edu/EVS/rs45580032).

Breakthrough Genomics
Classification: Likely benign. Review status: criteria provided, single submitter. Criteria: ACMG Guidelines, 2015. Collection method: not provided. Allele origin: germline. Inheritance: Autosomal dominant inheritance. Affected: yes.

PreventionGenetics, part of Exact Sciences
Classification: Benign. Review status: criteria provided, single submitter. Criteria: ACMG Guidelines, 2015. Collection method: clinical testing. Allele origin: germline.

Clinical Genetics DNA and cytogenetics Diagnostics Lab, Erasmus MC, Erasmus Medical Center
Classification: Benign. Review status: no assertion criteria provided. Collection method: clinical testing. Allele origin: germline. Affected: yes. Study: VKGL Data-share Consensus. Not counted in ClinVar's aggregate classification.

Clinical Genetics, Academic Medical Center
Classification: Benign. Review status: no assertion criteria provided. Collection method: clinical testing. Allele origin: germline. Affected: yes. Study: VKGL Data-share Consensus. Not counted in ClinVar's aggregate classification.

Diagnostic Laboratory, Department of Genetics, University Medical Center Groningen
Classification: Likely benign. Review status: no assertion criteria provided. Collection method: clinical testing. Allele origin: germline. Affected: yes. Study: VKGL Data-share Consensus. Not counted in ClinVar's aggregate classification.

Joint Genome Diagnostic Labs from Nijmegen and Maastricht, Radboudumc and MUMC+
Classification: Benign. Review status: no assertion criteria provided. Collection method: clinical testing. Allele origin: germline. Affected: yes. Study: VKGL Data-share Consensus. Not counted in ClinVar's aggregate classification.

NM_001276345.2(TNNT2):c.163+12G>A

Gene: TNNT2 (troponin T2, cardiac type; minus strand). Cytogenetic location: 1q32.1.
Variant type: single nucleotide variant.
Coding change: c.163+12G>A on transcript NM_001276345.2 (MANE Select); 12 bases into the intron after coding-DNA position 163, G replaced by A.
Molecular consequence: intron variant.
Genome position (GRCh38, 1-based): chr1:201,368,150, C>T on the plus strand (G>A on the coding strand, the complement: TNNT2 is on the minus strand). VCF-style: chr1-201368150-C-T. GRCh37 (hg19) VCF-style: chr1-201337278-C-T.
Other names: c.118+12G>A (NM_001001432.3); c.133+12G>A (NM_001001431.3, NM_001001430.3, NM_001276347.2); c.163+12G>A (NM_001276346.2, NM_000364.4).
Identifiers: ClinVar variation 43613 (VCV000043613.41), dbSNP rs45580032, ClinGen allele CA004087.